The following is an entry in ClinVar:

NM_153717.3(EVC):c.2562-4C>G

Gene: EVC (EvC ciliary complex subunit 1; plus strand). Cytogenetic location: 4p16.2.
Variant type: single nucleotide variant.
Coding change: c.2562-4C>G on transcript NM_153717.3 (MANE Select); 4 bases into the intron before coding-DNA position 2562, C replaced by G.
Molecular consequence: intron variant.
Genome position (GRCh38, 1-based): chr4:5,808,197, C>G. VCF-style: chr4-5808197-C-G. GRCh37 (hg19) VCF-style: chr4-5809924-C-G.
Other names: c.2562-4C>G (NM_001306090.2).
Identifiers: ClinVar variation 349206 (VCV000349206.31), dbSNP rs60082311, ClinGen allele CA2836609.
Genomic context (GRCh38, chr4:5,808,197, plus strand): 5'-CCCTCCCTCCCTCCCTCCCTCCCTTCCTTCCTCCCTGCCAGCCTGCCTGCCTTCCTCCCC[C>G]CAGGATGCTGTCCCAGCAGAAGAGGTTCCTGGCCCAGTTCCCAGTGCACCAGCAGATGCG-3'

ClinVar aggregate classification (germline): Benign. Review status: criteria provided, multiple submitters, no conflicts (2 of 4 stars). 7 submissions from 7 submitters: Benign (6). 1 of the submissions does not count toward it. Last evaluated 2026-05-09.

Conditions:
Ellis-van Creveld syndrome (EVC). Also called: Chondroectodermal dysplasia; MESOECTODERMAL DYSPLASIA. Identifiers: Orphanet 289, MedGen C0013903, MONDO:0009162, OMIM 225500.
Curry-Hall syndrome (WAD). Also called: WEYERS ACRODENTAL DYSOSTOSIS. Identifiers: Orphanet 952, MedGen C0457013, MONDO:0008673, OMIM 193530.

Allele frequency attached by ClinVar (database versions not stated): 1000 Genomes Project 0.02796; ESP Exome Variant Server 0.02760; 1000 Genomes Project 30x 0.02811.
gnomAD v4.1: 7,192 of 1,554,030 alleles (0.46%); highest among the groups gnomAD compares: African/African-American, 10%; 273 homozygotes.

Submissions (7):

Women's Health and Genetics/Laboratory Corporation of America, LabCorp
Classification: Benign. Last evaluated: 2026-05-09. Review status: criteria provided, single submitter. Criteria: LabCorp Variant Classification Summary - May 2015. Collection method: clinical testing. Allele origin: germline.

Labcorp Genetics (formerly Invitae), Labcorp
Classification: Benign for Curry-Hall syndrome; Ellis-van Creveld syndrome. Last evaluated: 2026-02-01. Review status: criteria provided, single submitter. Criteria: Invitae Variant Classification Sherloc (09022015). Collection method: clinical testing. Allele origin: germline.

ARUP Laboratories, Molecular Genetics and Genomics, ARUP Laboratories
Classification: Benign. Last evaluated: 2025-06-11. Review status: criteria provided, single submitter. Criteria: ARUP Molecular Germline Variant Investigation Process 2024. Collection method: clinical testing. Allele origin: germline.

Illumina Laboratory Services, Illumina
Classification: Benign for Ellis-van Creveld syndrome. Last evaluated: 2018-01-12. Review status: criteria provided, single submitter. Criteria: ICSL Variant Classification Criteria 13 December 2019. Collection method: clinical testing. Allele origin: germline.
Comment: This variant was observed in the ICSL laboratory as part of a predisposition screen in an ostensibly healthy population. It had not been previously curated by ICSL or reported in the Human Gene Mutation Database (HGMD: prior to June 1st, 2018), and was therefore a candidate for classification through an automated scoring system. Utilizing variant allele frequency, disease prevalence and penetrance estimates, and inheritance mode, an automated score was calculated to assess if this variant is too frequent to cause the disease. Based on the score and internal cut-off values, a variant classified as benign is not then subjected to further curation. The score for this variant resulted in a classification of benign for this disease.

GeneDx
Classification: Benign. Last evaluated: 2016-06-06. Review status: criteria provided, single submitter. Criteria: GeneDx Variant Classification (06012015). Collection method: clinical testing. Allele origin: germline. Affected: yes.
Comment: This variant is considered likely benign or benign based on one or more of the following criteria: it is a conservative change, it occurs at a poorly conserved position in the protein, it is predicted to be benign by multiple in silico algorithms, and/or has population frequency not consistent with disease.

Breakthrough Genomics
Classification: Benign. Review status: criteria provided, single submitter. Criteria: ACMG Guidelines, 2015. Collection method: not provided. Allele origin: germline. Inheritance: Autosomal recessive inheritance. Affected: yes.

Natera, Inc.
Classification: Benign for Ellis-van Creveld syndrome. Last evaluated: 2020-09-16. Review status: no assertion criteria provided. Collection method: clinical testing. Allele origin: germline. Not counted in ClinVar's aggregate classification.